The following is an entry in ClinVar:

NM_021224.6(ZNF462):c.1635ACC[2] (p.Pro554del)

Gene: ZNF462 (zinc finger protein 462; plus strand). Cytogenetic location: 9q31.2.
Variant type: Microsatellite.
Coding change: c.1635ACC[2] on transcript NM_021224.6 (MANE Select); two copies in a row of the 3-base unit ACC starting at c.1635; the reference has three copies in a row; one copy, 3 bases deleted.
Protein change: p.Pro554del; deletes proline 554.
Genome position (GRCh38, 1-based): chr9:106,925,553-106,925,555, ACC deleted; deleting any 3 consecutive bases within chr9:106,925,545-106,925,555 gives the same sequence; the position shown is the placement nearest the transcript's 3' end. VCF-style (leftmost placement, unchanged base first): chr9-106925544-GCCA-G. GRCh37 (hg19) VCF-style: chr9-109687825-GCCA-G.
Other names: c.1635ACC[2], p.Pro554del (NM_001347997.2); short protein forms P554del.
Identifiers: ClinVar variation 3360002 (VCV003360002.1).

ClinVar aggregate classification (germline): Uncertain significance (1 of 4 stars; one submission).

Submission:

GeneDx
Classification: Uncertain significance. Last evaluated: 2023-06-21. Review status: criteria provided, single submitter. Criteria: GeneDx Variant Classification Process June 2021. Collection method: clinical testing. Allele origin: germline. Affected: yes.
Comment: In-frame deletion of 1 amino acid in a non-repeat region; In silico analysis supports that this variant does not alter protein structure/function; Has not been previously published as pathogenic or benign to our knowledge